The following is an entry in ClinVar:

ClinVar aggregate classification (germline): Pathogenic. Review status: criteria provided, multiple submitters, no conflicts (2 of 4 stars). 2 submissions from 2 submitters: Pathogenic (2). Last evaluated 2011-08-12.

Submissions (2):

ISCA site 14
Classification: Pathogenic. Last evaluated: 2011-08-12. Review status: criteria provided, single submitter. Criteria: Kaminsky et al. (Genet Med. 2011). Collection method: clinical testing. Allele origin: unknown. Affected: yes. Observed: 2 variant alleles.
Comment: Copy number variation identified through the course of routine clinical cytogenomic testing in postnatal populations. Clinical assertions have been curated as described in Kaminsky et al. 2011.

ISCA site 4
Classification: Pathogenic. Last evaluated: 2011-08-12. Review status: criteria provided, single submitter. Criteria: Kaminsky et al. (Genet Med. 2011). Collection method: clinical testing. Allele origin: unknown. Affected: yes. Observed: 2 variant alleles.
Comment: the same text as in the submission from ISCA site 14 above.

GRCh38/hg38 22q11.21(chr22:18339130-21207225)x1

Genes: LRRC74B (leucine rich repeat containing 74B; plus strand), LRRC74BNL (LRRC74B N-terminal like; minus strand), LZTR1 (leucine zipper like post translational regulator 1; plus strand), MED15 (mediator complex subunit 15; plus strand), MIR1286 (microRNA 1286; minus strand) and 189 more. Cytogenetic location: 22q11.21.
Variant type: copy number loss.
Change: copy number 1 (one copy instead of two) of chr22:18,339,130-21,207,225 (2.87 Mb, GRCh38 coordinates, 1-based), cytogenetic band 22q11.21.
Identifiers: ClinVar variation 160922 (VCV000160922.1).